The following is an entry in ClinVar:

ClinVar aggregate classification (germline): Pathogenic (1 of 4 stars; one submission).

Conditions:
Zellweger spectrum disorders (ZS). Also called: Zellweger Spectrum Disorder; Zellweger Spectrum; Zellweger syndrome; Zellweger Spectrum Disorder (ZSD). Identifiers: Orphanet 912, MedGen C0043459, MONDO:0019609.

Submission:

Labcorp Genetics (formerly Invitae), Labcorp
Classification: Pathogenic for Zellweger spectrum disorders. Last evaluated: 2022-05-28. Review status: criteria provided, single submitter. Criteria: Invitae Variant Classification Sherloc (09022015). Collection method: clinical testing. Allele origin: germline.
Comment: For these reasons, this variant has been classified as Pathogenic. This variant disrupts a region of the PEX1 protein in which other variant(s) (deletion of exon 24) have been determined to be pathogenic (Invitae). This suggests that this is a clinically significant region of the protein, and that variants that disrupt it are likely to be disease-causing. This variant has not been reported in the literature in individuals affected with PEX1-related conditions. This variant is a gross deletion of the genomic region encompassing exon(s) 10-24 of the PEX1 gene, which includes the termination codon. This deletion extends beyond the assayed region for this gene and therefore may encompass additional genes. While this deletion is not anticipated to lead to nonsense mediated decay, it is expected to alter mRNA translation or result in a truncated protein product.

NC_000007.13:g.(?_92116761)_(92136450_?)del

Gene: PEX1 (peroxisomal biogenesis factor 1; minus strand). Cytogenetic location: 7q21.2.
Variant type: Deletion.
Identifiers: ClinVar variation 2423140 (VCV002423140.4).